The following is an entry in ClinVar:

ClinVar aggregate classification (germline): Uncertain significance. Review status: criteria provided, single submitter (1 of 4 stars). 2 submissions from 2 submitters: Uncertain significance (1). 1 of the submissions does not count toward it. Last evaluated 2020-10-18.

Conditions:
Nemaline myopathy 2 (NEM2). Also called: Nemaline myopathy 2, autosomal recessive. Identifiers: MedGen C1850569, MONDO:0009725, OMIM 256030.

Allele frequency attached by ClinVar (database versions not stated): gnomAD exomes below 0.00001; gnomAD 0.00001; TOPMed below 0.00001.
gnomAD v4.1: 4 of 1,603,696 alleles (0.00025%); highest among the groups gnomAD compares: African/African-American, 0.0013%; no homozygotes.

Submissions (3):

Labcorp Genetics (formerly Invitae), Labcorp
Classification: Uncertain significance for Nemaline myopathy 2. Last evaluated: 2020-10-18. Review status: criteria provided, single submitter. Criteria: Invitae Variant Classification Sherloc (09022015). Collection method: clinical testing. Allele origin: germline.
Comment: This sequence change affects codon 8197 of the NEB mRNA. It is a 'silent' change, meaning that it does not change the encoded amino acid sequence of the NEB protein. This variant also falls at the last nucleotide of exon 174, which is part of the consensus splice site for this exon. This variant is not present in population databases (ExAC no frequency). This variant has not been reported in the literature in individuals with NEB-related conditions. Nucleotide substitutions within the consensus splice site are a relatively common cause of aberrant splicing (PMID: 17576681, 9536098). Algorithms developed to predict the effect of sequence changes on RNA splicing suggest that this variant may disrupt the consensus splice site, but this prediction has not been confirmed by published transcriptional studies. In summary, the available evidence is currently insufficient to determine the role of this variant in disease. Therefore, it has been classified as a Variant of Uncertain Significance.

Natera, Inc.
Classification: Uncertain significance for Nemaline myopathy type 2. Last evaluated: 2020-02-13. Review status: no assertion criteria provided. Collection method: clinical testing. Allele origin: germline. Not counted in ClinVar's aggregate classification.

Dr. Peter K. Rogan Lab, Western University
No classification provided (evidence only). Condition: Pancreatic adenocarcinoma. Review status: no classification provided. Collection method: in vitro. Allele origin: not applicable. Functional consequence: retained intron. Not counted in ClinVar's aggregate classification.

Literature cited by the submitters: PubMed 17576681 (cited by Labcorp Genetics (formerly Invitae), Labcorp); PubMed 9536098 (cited by Labcorp Genetics (formerly Invitae), Labcorp).

NM_001164508.2(NEB):c.24486G>A (p.Ser8162=)

Genes: RIF1 (replication timing regulatory factor 1; plus strand), NEB (nebulin; minus strand). Cytogenetic location: 2q23.3.
Variant type: single nucleotide variant.
Coding change: c.24486G>A on transcript NM_001164508.2 (MANE Select); coding-DNA position 24486, G replaced by A.
Protein change: p.Ser8162=; no amino-acid change (serine 8162 retained).
Molecular consequence: synonymous variant.
Genome position (GRCh38, 1-based): chr2:151,496,276, C>T on the plus strand (G>A on the coding strand, the complement: NEB is on the minus strand). VCF-style: chr2-151496276-C-T. GRCh37 (hg19) VCF-style: chr2-152352790-C-T.
Other names: c.24486G>A, p.Ser8162= (NM_001164507.2); c.24591G>A, p.Ser8197= (NM_001271208.2); c.18918G>A, p.Ser6306= (NM_004543.5).
Identifiers: ClinVar variation 1038875 (VCV001038875.9), dbSNP rs1230102324, ClinGen allele CA429237018.